The following is an entry in ClinVar:

NM_020795.4(NLGN2):c.2269C>T (p.Pro757Ser)

Gene: NLGN2 (neuroligin 2; plus strand). Cytogenetic location: 17p13.1.
Variant type: single nucleotide variant.
Coding change: c.2269C>T on transcript NM_020795.4 (MANE Select); coding-DNA position 2269, C replaced by T.
Protein change: p.Pro757Ser; replaces proline 757 with serine.
Molecular consequence: missense variant.
Genome position (GRCh38, 1-based): chr17:7,417,560, C>T. VCF-style: chr17-7417560-C-T. GRCh37 (hg19) VCF-style: chr17-7320879-C-T.
Other names: short protein forms P757S.
Identifiers: ClinVar variation 2784879 (VCV002784879.3), dbSNP rs1405476510, ClinGen allele CA397835415.

ClinVar aggregate classification (germline): Uncertain significance (1 of 4 stars; one submission).

gnomAD v4.1: 2 of 1,447,100 alleles (0.00014%); highest among the groups gnomAD compares: Non-Finnish European, 0.00009%; no homozygotes.

Submission:

Labcorp Genetics (formerly Invitae), Labcorp
Classification: Uncertain significance. Last evaluated: 2023-05-25. Review status: criteria provided, single submitter. Criteria: Invitae Variant Classification Sherloc (09022015). Collection method: clinical testing. Allele origin: germline.
Comment: In summary, the available evidence is currently insufficient to determine the role of this variant in disease. Therefore, it has been classified as a Variant of Uncertain Significance. Advanced modeling of protein sequence and biophysical properties (such as structural, functional, and spatial information, amino acid conservation, physicochemical variation, residue mobility, and thermodynamic stability) performed at Invitae indicates that this missense variant is not expected to disrupt NLGN2 protein function. This sequence change replaces proline, which is neutral and non-polar, with serine, which is neutral and polar, at codon 757 of the NLGN2 protein (p.Pro757Ser). This variant is not present in population databases (gnomAD no frequency). This variant has not been reported in the literature in individuals affected with NLGN2-related conditions.